The following is an entry in ClinVar:

NM_003901.4(SGPL1):c.517dup (p.Leu173fs)

Gene: SGPL1 (sphingosine-1-phosphate lyase 1; plus strand). Cytogenetic location: 10q22.1.
Variant type: Duplication.
Coding change: c.517dup on transcript NM_003901.4 (MANE Select); coding-DNA position 517, one base duplicated (C; older notation c.517dupC).
Protein change: p.Leu173fs; shifts the reading frame from leucine 173.
Molecular consequence: frameshift variant.
Genome position (GRCh38, 1-based): chr10:70,859,401, C duplicated; the last of 5 consecutive C bases (chr10:70,859,397-70,859,401); duplicating any one gives the same sequence. VCF-style (leftmost placement, unchanged base first): chr10-70859396-A-AC. GRCh37 (hg19) VCF-style: chr10-72619153-A-AC.
Other names: short protein forms L173fs.
Identifiers: ClinVar variation 2792254 (VCV002792254.3), dbSNP rs867880706, ClinGen allele CA209387658.
Genomic context (GRCh38, chr10:70,859,396, plus strand): 5'-GTTTTGATTTCACATCTGCTTGCATTTTTTTGCAGGCTTATGGAGATTTTGCATGGAGTA[A>AC]CCCCCTGCATCCAGATATCTTCCCAGGACTACGCAAGATAGAGGCAGAAATCGTGAGGAT-3'

ClinVar aggregate classification (germline): Pathogenic (1 of 4 stars; one submission).

Submission:

Labcorp Genetics (formerly Invitae), Labcorp
Classification: Pathogenic. Last evaluated: 2023-12-19. Review status: criteria provided, single submitter. Criteria: Invitae Variant Classification Sherloc (09022015). Collection method: clinical testing. Allele origin: germline.
Comment: This sequence change creates a premature translational stop signal (p.Leu173Profs*55) in the SGPL1 gene. It is expected to result in an absent or disrupted protein product. Loss-of-function variants in SGPL1 are known to be pathogenic (PMID: 28165339, 28165343). The frequency data for this variant in the population databases is considered unreliable, as metrics indicate poor data quality at this position in the gnomAD database. This variant has not been reported in the literature in individuals affected with SGPL1-related conditions. For these reasons, this variant has been classified as Pathogenic.

Literature cited by the submitters: PubMed 28165339; PubMed 28165343.